The following is an entry in ClinVar:

NM_000199.5(SGSH):c.544dup (p.Arg182fs)

Gene: SGSH (N-sulfoglucosamine sulfohydrolase; minus strand). Cytogenetic location: 17q25.3.
Variant type: Duplication.
Coding change: c.544dup on transcript NM_000199.5 (MANE Select); coding-DNA position 544, one base duplicated (C; older notation c.544dupC).
Protein change: p.Arg182fs; shifts the reading frame from arginine 182.
Molecular consequence: frameshift variant. On other transcripts: non-coding transcript variant (1).
Genome position (GRCh38, 1-based): chr17:80,214,291, G duplicated on the plus strand (C on the coding strand, the reverse complement: SGSH is on the minus strand); the first of 2 consecutive G bases (chr17:80,214,291-80,214,292); duplicating either gives the same sequence. VCF-style (leftmost placement, unchanged base first): chr17-80214290-C-CG. GRCh37 (hg19) VCF-style: chr17-78188089-C-CG.
Other names: c.544dup, p.Arg182fs (NM_001352921.3, NM_001352922.2); short protein forms R182fs.
Identifiers: ClinVar variation 2029536 (VCV002029536.4), dbSNP rs2510890824, ClinGen allele CA2580095327.

ClinVar aggregate classification (germline): Pathogenic (1 of 4 stars; one submission).

Conditions:
Mucopolysaccharidosis, MPS-III-A (MPS3A). Also called: HEPARAN SULFATE SULFATASE DEFICIENCY; SANFILIPPO SYNDROME A; SULFAMIDASE DEFICIENCY; MPS III A; Mucopolysaccharidosis type IIIA (Sanfilippo A); Mucopolysaccharidosis, type IIIA. Identifiers: Orphanet 581, Orphanet 79269, MedGen C0086647, MONDO:0009655, OMIM 252900.

Submission:

Labcorp Genetics (formerly Invitae), Labcorp
Classification: Pathogenic for Mucopolysaccharidosis, MPS-III-A. Last evaluated: 2022-09-18. Review status: criteria provided, single submitter. Criteria: Invitae Variant Classification Sherloc (09022015). Collection method: clinical testing. Allele origin: germline.
Comment: This variant is not present in population databases (gnomAD no frequency). This sequence change creates a premature translational stop signal (p.Arg182Profs*14) in the SGSH gene. It is expected to result in an absent or disrupted protein product. Loss-of-function variants in SGSH are known to be pathogenic (PMID: 11182930, 21204211, 22976768). This variant has not been reported in the literature in individuals affected with SGSH-related conditions. For these reasons, this variant has been classified as Pathogenic.

Literature cited by the submitters: PubMed 11182930; PubMed 21204211; PubMed 22976768.